The following is an entry in ClinVar:

ClinVar aggregate classification (germline): Benign/Likely benign. Review status: criteria provided, multiple submitters, no conflicts (2 of 4 stars). 6 submissions from 6 submitters: Benign (5); Likely benign (1). Last evaluated 2026-02-04.

Conditions:
Hypercalcemia, infantile, 1 (HCINF1). Identifiers: Orphanet 300547, MedGen CN031131, MONDO:0020739, OMIM 143880.

Allele frequency attached by ClinVar (database versions not stated): ESP Exome Variant Server 0.08442; gnomAD 0.08737 and 0.09413; TOPMed 0.09446; ExAC 0.12291; gnomAD exomes 0.12386; 1000 Genomes Project 30x 0.16006; 1000 Genomes Project 0.16554.
gnomAD v4.1: 179,822 of 1,614,026 alleles (11%); highest among the groups gnomAD compares: East Asian, 38%; 12,269 homozygotes.

Submissions (6):

Labcorp Genetics (formerly Invitae), Labcorp
Classification: Benign. Last evaluated: 2026-02-04. Review status: criteria provided, single submitter. Criteria: Invitae Variant Classification Sherloc (09022015). Collection method: clinical testing. Allele origin: germline.

Blueprint Genetics
Classification: Likely benign. Last evaluated: 2024-11-28. Review status: criteria provided, single submitter. Criteria: ACMG Guidelines, 2015. Collection method: clinical testing. Allele origin: germline.

Mayo Clinic Laboratories, Mayo Clinic
Classification: Benign. Last evaluated: 2022-03-09. Review status: criteria provided, single submitter. Criteria: ACMG Guidelines, 2015. Collection method: clinical testing. Allele origin: germline. Observed: 33 variant alleles.

GeneDx
Classification: Benign. Last evaluated: 2018-11-12. Review status: criteria provided, single submitter. Criteria: GeneDx Variant Classification Process June 2021. Collection method: clinical testing. Allele origin: germline. Affected: yes.

Illumina Laboratory Services, Illumina
Classification: Benign for Hypercalcemia, infantile, 1. Last evaluated: 2018-01-13. Review status: criteria provided, single submitter. Criteria: ICSL Variant Classification Criteria 13 December 2019. Collection method: clinical testing. Allele origin: germline.
Comment: This variant was observed in the ICSL laboratory as part of a predisposition screen in an ostensibly healthy population. It had not been previously curated by ICSL or reported in the Human Gene Mutation Database (HGMD: prior to June 1st, 2018), and was therefore a candidate for classification through an automated scoring system. Utilizing variant allele frequency, disease prevalence and penetrance estimates, and inheritance mode, an automated score was calculated to assess if this variant is too frequent to cause the disease. Based on the score and internal cut-off values, a variant classified as benign is not then subjected to further curation. The score for this variant resulted in a classification of benign for this disease.

Breakthrough Genomics
Classification: Benign. Review status: criteria provided, single submitter. Criteria: ACMG Guidelines, 2015. Collection method: not provided. Allele origin: germline. Inheritance: Autosomal recessive inheritance. Affected: yes.

NM_000782.5(CYP24A1):c.744G>A (p.Thr248=)

Gene: CYP24A1 (cytochrome P450 family 24 subfamily A member 1; minus strand). Cytogenetic location: 20q13.2.
Variant type: single nucleotide variant.
Coding change: c.744G>A on transcript NM_000782.5 (MANE Select); coding-DNA position 744, G replaced by A.
Protein change: p.Thr248=; no amino-acid change (threonine 248 retained).
Molecular consequence: synonymous variant.
Genome position (GRCh38, 1-based): chr20:54,164,552, C>T on the plus strand (G>A on the coding strand, the complement: CYP24A1 is on the minus strand). VCF-style: chr20-54164552-C-T. GRCh37 (hg19) VCF-style: chr20-52781091-C-T.
Other names: p.Thr248=; c.744G>A, p.Thr248= (NM_001128915.2).
Identifiers: ClinVar variation 338825 (VCV000338825.19), dbSNP rs6068816, ClinGen allele CA9916012.